The following is an entry in ClinVar:

ClinVar aggregate classification (germline): Uncertain significance. Review status: criteria provided, multiple submitters, no conflicts (2 of 4 stars). 3 submissions from 3 submitters: Uncertain significance (3). Last evaluated 2024-06-01.

Conditions:
Retinal arterial tortuosity. Also called: Retinal arteries, tortuosity of; RETINAL HEMORRHAGE WITH VASCULAR TORTUOSITY. Identifiers: Orphanet 75326, MedGen C0423401, MONDO:0008373, OMIM 180000, HP:0000631.
Brain small vessel disease 1 with or without ocular anomalies (BSVD1). Also called: PORENCEPHALY, TYPE 1, AUTOSOMAL DOMINANT; GOULD SYNDROME 1; BRAIN SMALL VESSEL DISEASE WITH HEMORRHAGE; Brain small vessel disease with or without ocular anomalies. Identifiers: Orphanet 2940, Orphanet 36383, Orphanet 99810, MedGen C4755307, MONDO:0008289, OMIM 175780.
Microangiopathy and leukoencephalopathy, pontine, autosomal dominant. Also called: Pontine autosomal dominant microangiopathy with leukoencephalopathy; DEMENTIA, HEREDITARY MULTI-INFARCT, SWEDISH TYPE. Identifiers: Orphanet 477749, MedGen C5231411, MONDO:0032814, OMIM 618564.
Hemorrhage, intracerebral, susceptibility to (ICH). Also called: Stroke, hemorrhagic, susceptibility to. Identifiers: MedGen C3281105, MONDO:0100533, OMIM 614519.
Autosomal dominant familial hematuria-retinal arteriolar tortuosity-contractures syndrome. Also called: Hereditary Angiopathy with Nephropathy, Aneurysms, and Muscle Cramps (HANAC) Syndrome; Angiopathy, hereditary, with nephropathy, aneurysms, and muscle cramps. Identifiers: Orphanet 73229, MedGen C2673195, MONDO:0012726, OMIM 611773.

Allele frequency attached by ClinVar (database versions not stated): gnomAD exomes 0.00001.
gnomAD v4.1: 3 of 1,614,118 alleles (0.00019%); highest among the groups gnomAD compares: African/African-American, 0.0013%; no homozygotes.

Submissions (3):

Fulgent Genetics
Classification: Uncertain significance for Brain small vessel disease 1 with or without ocular anomalies; Retinal arterial tortuosity; Autosomal dominant familial hematuria-retinal arteriolar tortuosity-contractures syndrome; Hemorrhage, intracerebral, susceptibility to; Microangiopathy and leukoencephalopathy, pontine, autosomal dominant. Last evaluated: 2024-06-01. Review status: criteria provided, single submitter. Criteria: ACMG Guidelines, 2015. Collection method: clinical testing. Allele origin: germline.

Revvity Omics, Revvity
Classification: Uncertain significance. Last evaluated: 2024-02-02. Review status: criteria provided, single submitter. Criteria: ACMG Guidelines, 2015. Collection method: clinical testing. Allele origin: germline.

Labcorp Genetics (formerly Invitae), Labcorp
Classification: Uncertain significance. Last evaluated: 2022-03-28. Review status: criteria provided, single submitter. Criteria: Invitae Variant Classification Sherloc (09022015). Collection method: clinical testing. Allele origin: germline.
Comment: In summary, the available evidence is currently insufficient to determine the role of this variant in disease. Therefore, it has been classified as a Variant of Uncertain Significance. Advanced modeling of protein sequence and biophysical properties (such as structural, functional, and spatial information, amino acid conservation, physicochemical variation, residue mobility, and thermodynamic stability) performed at Invitae indicates that this missense variant is not expected to disrupt COL4A1 protein function. This variant has not been reported in the literature in individuals affected with COL4A1-related conditions. This variant is not present in population databases (gnomAD no frequency). This sequence change replaces proline, which is neutral and non-polar, with serine, which is neutral and polar, at codon 445 of the COL4A1 protein (p.Pro445Ser).

NM_001845.6(COL4A1):c.1333C>T (p.Pro445Ser)

Genes: COL4A1 (collagen type IV alpha 1 chain; minus strand), LOC126861856 (BRD4-independent group 4 enhancer GRCh37_chr13:110846747-110847946; plus strand). Cytogenetic location: 13q34.
Variant type: single nucleotide variant.
Coding change: c.1333C>T on transcript NM_001845.6 (MANE Select); coding-DNA position 1333, C replaced by T.
Protein change: p.Pro445Ser; replaces proline 445 with serine.
Molecular consequence: missense variant.
Genome position (GRCh38, 1-based): chr13:110,195,071, G>A on the plus strand (C>T on the coding strand, the complement: COL4A1 is on the minus strand). VCF-style: chr13-110195071-G-A. GRCh37 (hg19) VCF-style: chr13-110847418-G-A.
Other names: c.1333C>T, p.Pro445Ser (NM_001303110.2); short protein forms P445S.
Identifiers: ClinVar variation 1409803 (VCV001409803.10), dbSNP rs1878826024, ClinGen allele CA388723762.